The following is an entry in ClinVar:

NM_006496.4(GNAI3):c.322T>C (p.Phe108Leu)

Gene: GNAI3 (G protein subunit alpha i3; plus strand). Cytogenetic location: 1p13.3.
Variant type: single nucleotide variant.
Coding change: c.322T>C on transcript NM_006496.4 (MANE Select); coding-DNA position 322, T replaced by C.
Protein change: p.Phe108Leu; replaces phenylalanine 108 with leucine.
Molecular consequence: missense variant.
Genome position (GRCh38, 1-based): chr1:109,579,222, T>C. VCF-style: chr1-109579222-T-C. GRCh37 (hg19) VCF-style: chr1-110121844-T-C.
Other names: c.322T>C (NM_006496.2); short protein forms F108L.
Identifiers: ClinVar variation 2095917 (VCV002095917.5), dbSNP rs538498659, ClinGen allele CA992050.

ClinVar aggregate classification (germline): Uncertain significance. Review status: criteria provided, multiple submitters, no conflicts (2 of 4 stars). 2 submissions from 2 submitters: Uncertain significance (2). Last evaluated 2025-06-16.

Conditions:
Inborn genetic diseases. Identifiers: MedGen C0950123, MeSH D030342.

Allele frequency attached by ClinVar (database versions not stated): gnomAD exomes 0.00001; ExAC 0.00002; gnomAD 0.00002; TOPMed 0.00002; 1000 Genomes Project 30x 0.00016; 1000 Genomes Project 0.00020.

Submissions (2):

Ambry Genetics
Classification: Uncertain significance for Inborn genetic diseases. Last evaluated: 2025-06-16. Review status: criteria provided, single submitter. Criteria: Ambry Variant Classification Scheme 2023. Collection method: clinical testing. Allele origin: germline.

Labcorp Genetics (formerly Invitae), Labcorp
Classification: Uncertain significance. Last evaluated: 2022-02-11. Review status: criteria provided, single submitter. Criteria: Invitae Variant Classification Sherloc (09022015). Collection method: clinical testing. Allele origin: germline.
Comment: This sequence change replaces phenylalanine, which is neutral and non-polar, with leucine, which is neutral and non-polar, at codon 108 of the GNAI3 protein (p.Phe108Leu). This variant is present in population databases (rs538498659, gnomAD 0.03%). This variant has not been reported in the literature in individuals affected with GNAI3-related conditions. Advanced modeling of protein sequence and biophysical properties (such as structural, functional, and spatial information, amino acid conservation, physicochemical variation, residue mobility, and thermodynamic stability) performed at Invitae indicates that this missense variant is not expected to disrupt GNAI3 protein function. In summary, the available evidence is currently insufficient to determine the role of this variant in disease. Therefore, it has been classified as a Variant of Uncertain Significance.